The following is an entry in ClinVar:

ClinVar aggregate classification (germline): Likely pathogenic (1 of 4 stars; one submission).

Conditions:
Mitochondrial neurogastrointestinal encephalomyopathy. Also called: Mitochondrial neurogastrointestinal encephalopathy syndrome; MNGIE syndrome; Thymidine phosphorylase deficiency. Identifiers: Orphanet 298, MedGen C0872218, MONDO:0017575.

Submission:

Natera, Inc.
Classification: Likely pathogenic for Mitochondrial neurogastrointestinal encephalomyopathy. Last evaluated: 2025-11-14. Review status: criteria provided, single submitter. Criteria: Natera Variant Classification Schema (03/2026). Collection method: clinical testing. Allele origin: germline.
Comment: The c.70_76del variant in TYMP is a frameshift variant predicted to shift the reading frame beginning at codon 24 and leads to a stop codon 14 codons downstream. This variant is expected to result in nonsense mediated decay, truncation, or a dysfunctional protein product. This variant is rare in the general population with a frequency below the threshold expected for the associated phenotype(s). Given the available evidence, this variant is classified as Likely Pathogenic.

NM_001953.5(TYMP):c.70_76del (p.Gln24fs)

Gene: TYMP (thymidine phosphorylase; minus strand). Cytogenetic location: 22q13.33.
Variant type: Deletion.
Coding change: c.70_76del on transcript NM_001953.5 (MANE Select); coding-DNA positions 70 to 76, 7 bases deleted (CAGGGAC; older notation c.70_76delCAGGGAC).
Protein change: p.Gln24fs; shifts the reading frame from glutamine 24.
Molecular consequence: frameshift variant.
Genome position (GRCh38, 1-based): chr22:50,529,634-50,529,640, GTCCCTG deleted on the plus strand (CAGGGAC on the coding strand, the reverse complement: TYMP is on the minus strand); deleting any 7 consecutive bases within chr22:50,529,634-50,529,641 gives the same sequence; the c. name uses the placement nearest the transcript's 3' end. VCF-style (leftmost placement, unchanged base first): chr22-50529633-AGTCCCTG-A. GRCh37 (hg19) VCF-style: chr22-50968062-AGTCCCTG-A.
Other names: c.70_76del, p.Gln24fs (NM_001113755.3, NM_001113756.3, NM_001257988.1 and 1 more transcripts); short protein forms Q24fs.
Identifiers: ClinVar variation 4814991 (VCV004814991.1).
Genomic context (GRCh38, chr22:50,529,633, plus strand): 5'-CCGTCTCGCTTCATGCGGATCAGCTCCGGGAGCTGCTTGGGCTCTGGCGAAGGGTCGGGA[AGTCCCTG>A]GCTCCCTTCCCCGGAGAAGTCACCAGGCGCGGGTGGGGCCCCGGTTCCCGGGGTCATCAA-3'